The following is an entry in ClinVar:

NM_002474.3(MYH11):c.5599C>T (p.Gln1867Ter)

Genes: MYH11 (myosin heavy chain 11; minus strand), NDE1 (nudE neurodevelopment protein 1; plus strand). Cytogenetic location: 16p13.11.
Variant type: single nucleotide variant.
Coding change: c.5599C>T on transcript NM_002474.3 (MANE Select); coding-DNA position 5599, C replaced by T.
Protein change: p.Gln1867Ter; replaces glutamine 1867 with a stop codon.
Molecular consequence: nonsense. On other transcripts: intron variant (2).
Genome position (GRCh38, 1-based): chr16:15,715,178, G>A on the plus strand (C>T on the coding strand, the complement: MYH11 is on the minus strand). VCF-style: chr16-15715178-G-A. GRCh37 (hg19) VCF-style: chr16-15809035-G-A.
Other names: c.5620C>T, p.Gln1874Ter (NM_001040113.2, NM_001040114.2); c.5599C>T, p.Gln1867Ter (NM_022844.3); c.948-9013G>A (NM_001143979.2, NM_017668.3); short protein forms Q1874*, Q1867*.
Identifiers: ClinVar variation 1420242 (VCV001420242.6), dbSNP rs2151192622, ClinGen allele CA394847248.

ClinVar aggregate classification (germline): Pathogenic (1 of 4 stars; one submission).

Conditions:
Aortic aneurysm, familial thoracic 4 (AAT4). Also called: AORTIC ANEURYSM/AORTIC DISSECTION AND PATENT DUCTUS ARTERIOSUS. Identifiers: MedGen C1851504, MONDO:0007568, OMIM 132900.

Submission:

Labcorp Genetics (formerly Invitae), Labcorp
Classification: Pathogenic for Aortic aneurysm, familial thoracic 4. Last evaluated: 2021-10-07. Review status: criteria provided, single submitter. Criteria: Invitae Variant Classification Sherloc (09022015). Collection method: clinical testing. Allele origin: germline.
Comment: This variant has not been reported in the literature in individuals affected with MYH11-related conditions. This variant is not present in population databases (ExAC no frequency). This sequence change creates a premature translational stop signal (p.Gln1874*) in the MYH11 gene. It is expected to result in an absent or disrupted protein product. Loss-of-function variants in MYH11 are known to be pathogenic (PMID: 25407000, 29575632). For these reasons, this variant has been classified as Pathogenic.

Literature cited by the submitters: PubMed 25407000; PubMed 29575632.